The following is an entry in ClinVar:

NM_000051.4(ATM):c.3707T>C (p.Phe1236Ser)

Gene: ATM (ATM serine/threonine kinase; plus strand). Cytogenetic location: 11q22.3.
Variant type: single nucleotide variant.
Coding change: c.3707T>C on transcript NM_000051.4 (MANE Select); coding-DNA position 3707, T replaced by C.
Protein change: p.Phe1236Ser; replaces phenylalanine 1236 with serine.
Molecular consequence: missense variant.
Genome position (GRCh38, 1-based): chr11:108,282,840, T>C. VCF-style: chr11-108282840-T-C. GRCh37 (hg19) VCF-style: chr11-108153567-T-C.
Other names: c.3707T>C, p.Phe1236Ser (NM_001351834.2); short protein forms F1236S.
Identifiers: ClinVar variation 1009321 (VCV001009321.8), dbSNP rs2082306350, ClinGen allele CA382523646.

ClinVar aggregate classification (germline): Uncertain significance (1 of 4 stars; one submission).

Conditions:
Ataxia-telangiectasia syndrome (AT). Also called: Cerebello-oculocutaneous telangiectasia; Immunodeficiency with ataxia telangiectasia; ATAXIA-TELANGIECTASIA, COMPLEMENTATION GROUP A; ATAXIA-TELANGIECTASIA, FRESNO VARIANT; LOUIS-BAR SYNDROME; Ataxia-telangiectasia, complementation group E. Identifiers: Orphanet 100, MedGen C0004135, MONDO:0008840, OMIM 208900.

Submission:

Labcorp Genetics (formerly Invitae), Labcorp
Classification: Uncertain significance for Ataxia-telangiectasia syndrome. Last evaluated: 2020-03-05. Review status: criteria provided, single submitter. Criteria: Invitae Variant Classification Sherloc (09022015). Collection method: clinical testing. Allele origin: germline.
Comment: This variant has not been reported in the literature in individuals with ATM-related conditions. This variant is not present in population databases (ExAC no frequency). This sequence change replaces phenylalanine with serine at codon 1236 of the ATM protein (p.Phe1236Ser). The phenylalanine residue is weakly conserved and there is a large physicochemical difference between phenylalanine and serine. Algorithms developed to predict the effect of missense changes on protein structure and function are either unavailable or do not agree on the potential impact of this missense change (SIFT: "Deleterious"; PolyPhen-2: "Benign"; Align-GVGD: "Class C55"). In summary, the available evidence is currently insufficient to determine the role of this variant in disease. Therefore, it has been classified as a Variant of Uncertain Significance.